The following is an entry in ClinVar:

ClinVar aggregate classification (germline): Uncertain significance (1 of 4 stars; one submission).

Conditions:
Hereditary spastic paraplegia 11. Also called: Spastic Paraplegia 11; SPASTIC PARAPLEGIA, AUTOSOMAL RECESSIVE, COMPLICATED, WITH THIN CORPUS CALLOSUM; SPASTIC PARAPLEGIA, AUTOSOMAL RECESSIVE, WITH MENTAL IMPAIRMENT AND THIN CORPUS CALLOSUM; Spastic paraplegia, mental retardation and thin corpus callosum; Nakamura Osame syndrome; Autosomal recessive hereditary spastic paraplegia, mental impairment, and thin corpus callosum. Identifiers: Orphanet 2822, MedGen C1858479, MONDO:0011445, OMIM 604360.

gnomAD v4.1: 1 of 1,614,190 alleles (0.000062%); highest among the groups gnomAD compares: Non-Finnish European, 0.000085%; no homozygotes.

Submission:

Labcorp Genetics (formerly Invitae), Labcorp
Classification: Uncertain significance for Hereditary spastic paraplegia 11. Last evaluated: 2022-06-23. Review status: criteria provided, single submitter. Criteria: Invitae Variant Classification Sherloc (09022015). Collection method: clinical testing. Allele origin: germline.
Comment: In summary, the available evidence is currently insufficient to determine the role of this variant in disease. Therefore, it has been classified as a Variant of Uncertain Significance. Algorithms developed to predict the effect of missense changes on protein structure and function are either unavailable or do not agree on the potential impact of this missense change (SIFT: "Deleterious"; PolyPhen-2: "Possibly Damaging"; Align-GVGD: "Class C0"). This variant has not been reported in the literature in individuals affected with SPG11-related conditions. This variant is not present in population databases (gnomAD no frequency). This sequence change replaces leucine, which is neutral and non-polar, with proline, which is neutral and non-polar, at codon 1811 of the SPG11 protein (p.Leu1811Pro).

NM_025137.4(SPG11):c.5432T>C (p.Leu1811Pro)

Gene: SPG11 (SPG11 vesicle trafficking associated, spatacsin; minus strand). Cytogenetic location: 15q21.1.
Variant type: single nucleotide variant.
Coding change: c.5432T>C on transcript NM_025137.4 (MANE Select); coding-DNA position 5432, T replaced by C.
Protein change: p.Leu1811Pro; replaces leucine 1811 with proline.
Molecular consequence: missense variant.
Genome position (GRCh38, 1-based): chr15:44,584,248, A>G on the plus strand (T>C on the coding strand, the complement: SPG11 is on the minus strand). VCF-style: chr15-44584248-A-G. GRCh37 (hg19) VCF-style: chr15-44876446-A-G.
Other names: c.5432T>C, p.Leu1811Pro (NM_001160227.2); c.5288T>C, p.Leu1763Pro (NM_001411132.1); short protein forms L1811P, L1763P.
Identifiers: ClinVar variation 2202423 (VCV002202423.4), dbSNP rs2505291823, ClinGen allele CA392222557.